The following is an entry in ClinVar:

NM_000256.3(MYBPC3):c.1845C>G (p.Ser615Arg)

Gene: MYBPC3 (myosin binding protein C3; minus strand). Cytogenetic location: 11p11.2.
Variant type: single nucleotide variant.
Coding change: c.1845C>G on transcript NM_000256.3 (MANE Select); coding-DNA position 1845, C replaced by G.
Protein change: p.Ser615Arg; replaces serine 615 with arginine.
Molecular consequence: missense variant.
Genome position (GRCh38, 1-based): chr11:47,341,190, G>C on the plus strand (C>G on the coding strand, the complement: MYBPC3 is on the minus strand). VCF-style: chr11-47341190-G-C. GRCh37 (hg19) VCF-style: chr11-47362741-G-C.
Other names: short protein forms S615R.
Identifiers: ClinVar variation 2773734 (VCV002773734.2), dbSNP rs1595845560, ClinGen allele CA380323894.

ClinVar aggregate classification (germline): Uncertain significance (1 of 4 stars; one submission).

Conditions:
Cardiomyopathy (CMYO). Also called: Cardiomyopathies. Identifiers: Orphanet 167848, MedGen C0878544, MONDO:0004994, HP:0001638. Inheritance: Various modes of inheritance.

Submission:

Color Diagnostics, LLC DBA Color Health
Classification: Uncertain significance for Cardiomyopathy. Last evaluated: 2024-03-07. Review status: criteria provided, single submitter. Criteria: ACMG Guidelines, 2015. Collection method: clinical testing. Allele origin: germline.
Comment: This missense variant replaces serine with arginine at codon 615 of the MYBPC3 protein. Computational prediction is inconclusive regarding the impact of this variant on protein structure and function (internally defined REVEL score threshold 0.5 < inconclusive < 0.7, PMID: 27666373). Splice site prediction tools suggest that this variant may impact RNA splicing. To our knowledge, functional studies have not been reported for this variant. This variant has not been reported in individuals affected with cardiovascular disorders in the literature. This variant has not been identified in the general population by the Genome Aggregation Database (gnomAD). The available evidence is insufficient to determine the role of this variant in disease conclusively. Therefore, this variant is classified as a Variant of Uncertain Significance.